The following is an entry in ClinVar:

NM_206933.4(USH2A):c.8687C>T (p.Thr2896Ile)

Gene: USH2A (usherin; minus strand). Cytogenetic location: 1q41.
Variant type: single nucleotide variant.
Coding change: c.8687C>T on transcript NM_206933.4 (MANE Select); coding-DNA position 8687, C replaced by T.
Protein change: p.Thr2896Ile; replaces threonine 2896 with isoleucine.
Molecular consequence: missense variant.
Genome position (GRCh38, 1-based): chr1:215,867,165, G>A on the plus strand (C>T on the coding strand, the complement: USH2A is on the minus strand). VCF-style: chr1-215867165-G-A. GRCh37 (hg19) VCF-style: chr1-216040507-G-A.
Other names: short protein forms T2896I.
Identifiers: ClinVar variation 1037318 (VCV001037318.9), dbSNP rs1664494411, ClinGen allele CA344851520.

ClinVar aggregate classification (germline): Uncertain significance. Review status: criteria provided, single submitter (1 of 4 stars). 2 submissions from 2 submitters: Uncertain significance (1). 1 of the submissions does not count toward it. Last evaluated 2022-01-15.

Conditions:
Usher syndrome type 2A. Also called: RETINAL DISEASE IN USHER SYNDROME TYPE IIA, MODIFIER OF; USHER SYNDROME, TYPE IIA. Identifiers: Orphanet 231178, Orphanet 886, MedGen C1848634, MONDO:0010169, OMIM 276901.

Submissions (2):

Labcorp Genetics (formerly Invitae), Labcorp
Classification: Uncertain significance. Last evaluated: 2022-01-15. Review status: criteria provided, single submitter. Criteria: Invitae Variant Classification Sherloc (09022015). Collection method: clinical testing. Allele origin: germline.
Comment: In summary, the available evidence is currently insufficient to determine the role of this variant in disease. Therefore, it has been classified as a Variant of Uncertain Significance. Algorithms developed to predict the effect of missense changes on protein structure and function (SIFT, PolyPhen-2, Align-GVGD) all suggest that this variant is likely to be disruptive. ClinVar contains an entry for this variant (Variation ID: 1037318). This missense change has been observed in individual(s) with clinical features of Usher syndrome (Invitae). This variant is not present in population databases (gnomAD no frequency). This sequence change replaces threonine, which is neutral and polar, with isoleucine, which is neutral and non-polar, at codon 2896 of the USH2A protein (p.Thr2896Ile).

Natera, Inc.
Classification: Uncertain significance for Usher syndrome type 2A. Last evaluated: 2021-08-13. Review status: no assertion criteria provided. Collection method: clinical testing. Allele origin: germline. Not counted in ClinVar's aggregate classification.